The following is an entry in ClinVar:

NM_001127222.2(CACNA1A):c.2936_2938dup (p.His979dup)

Gene: CACNA1A (calcium voltage-gated channel subunit alpha1 A; minus strand). Cytogenetic location: 19p13.13.
Variant type: Duplication.
Coding change: c.2936_2938dup on transcript NM_001127222.2 (MANE Select); coding-DNA positions 2936 to 2938, 3 bases duplicated (ACC; older notation c.2936_2938dupACC).
Protein change: p.His979dup; duplicates histidine 979.
Molecular consequence: inframe insertion.
Genome position (GRCh38, 1-based): chr19:13,298,695-13,298,697, GGT duplicated on the plus strand (ACC on the coding strand, the reverse complement: CACNA1A is on the minus strand); duplicating any 3 consecutive bases within chr19:13,298,695-13,298,698 gives the same sequence; the c. name uses the placement nearest the transcript's 3' end. VCF-style (leftmost placement, unchanged base first): chr19-13298694-C-CGGT. GRCh37 (hg19) VCF-style: chr19-13409508-C-CGGT.
Other names: c.2948_2950dup, p.His983dup (NM_000068.4, NM_023035.3); c.2939_2941dup, p.His980dup (NM_001127221.2, NM_001174080.2).
Identifiers: ClinVar variation 1310731 (VCV001310731.2), dbSNP rs2144953287, ClinGen allele CA2573054730.

ClinVar aggregate classification (germline): Uncertain significance (1 of 4 stars; one submission).

Submission:

GeneDx
Classification: Uncertain significance. Last evaluated: 2019-11-20. Review status: criteria provided, single submitter. Criteria: GeneDx Variant Classification Process June 2021. Collection method: clinical testing. Allele origin: germline. Affected: yes.
Comment: Not observed in large population cohorts (Lek et al., 2016); In-frame insertion of 1 amino acids in a non-repeat region; Has not been previously published as pathogenic or benign to our knowledge